The following is an entry in ClinVar:

NM_080860.4(RSPH1):c.501+5G>A

Gene: RSPH1 (radial spoke head component 1; minus strand). Cytogenetic location: 21q22.3.
Variant type: single nucleotide variant.
Coding change: c.501+5G>A on transcript NM_080860.4 (MANE Select); 5 bases into the intron after coding-DNA position 501, G replaced by A.
Molecular consequence: intron variant.
Genome position (GRCh38, 1-based): chr21:42,485,664, C>T on the plus strand (G>A on the coding strand, the complement: RSPH1 is on the minus strand). VCF-style: chr21-42485664-C-T. GRCh37 (hg19) VCF-style: chr21-43905774-C-T.
Other names: c.387+5G>A (NM_001286506.2).
Identifiers: ClinVar variation 4292503 (VCV004292503.1).
Genomic context (GRCh38, chr21:42,485,664, plus strand): 5'-TGCACAGGCTGCCAGAGGGGGTTATTTTGTACTTCATTGGCAAATGTCACTTCCCATGGA[C>T]TTACATTTTTGTTCAAGAACTTGCCCTGGTACCTGTGGTTCAGGTGAATGAGCTCGGCCG-3'

ClinVar aggregate classification (germline): Uncertain significance (1 of 4 stars; one submission).

Conditions:
Primary ciliary dyskinesia 24 (CILD24). Also called: CILIARY DYSKINESIA, PRIMARY, 24, WITHOUT SITUS INVERSUS. Identifiers: Orphanet 244, MedGen C3809634, MONDO:0014202, OMIM 615481.

Submission:

3billion
Classification: Uncertain significance for Primary ciliary dyskinesia 24. Last evaluated: 2024-10-22. Review status: criteria provided, single submitter. Criteria: ACMG Guidelines, 2015. Collection method: clinical testing. Allele origin: germline. Affected: yes.
Comment: The variant is not observed in the gnomAD v4.1.0 dataset. Predicted Consequence/Location: Intron variant In silico tools predict the variant to alter splicing and produce an abnormal transcript [SpliceAI: 0.63 (>=0.2, moderate evidence for spliceogenicity)]. Therefore, this variant is classified as VUS according to the recommendation of ACMG/AMP guideline.